The following is an entry in ClinVar:

NM_001376571.1(MADD):c.453del (p.Asp152fs)

Gene: MADD (MAP kinase activating death domain; plus strand). Cytogenetic location: 11p11.2.
Variant type: Deletion.
Coding change: c.453del on transcript NM_001376571.1 (MANE Select); coding-DNA position 453, one base deleted (T; older notation c.453delT).
Protein change: p.Asp152fs; shifts the reading frame from aspartic acid 152.
Molecular consequence: frameshift variant. On other transcripts: non-coding transcript variant (8), intron variant (1).
Genome position (GRCh38, 1-based): chr11:47,274,953, T deleted. VCF-style (leftmost placement, unchanged base first): chr11-47274952-CT-C. GRCh37 (hg19) VCF-style: chr11-47296503-CT-C.
Other names: c.453del, p.Asp152fs (NM_001135943.2, NM_001135944.2, NM_001376572.1 and 80 more transcripts); c.249del, p.Asp84fs (NM_001376620.1, NM_001376644.1, NM_001376646.1 and 9 more transcripts); c.-7-946del (NM_001376663.1); short protein forms D152fs, D84fs.
Identifiers: ClinVar variation 4850124 (VCV004850124.1).

ClinVar aggregate classification (germline): Likely pathogenic (1 of 4 stars; one submission).

Conditions:
Autosomal recessive MADD-related disorders.

Submission:

Variantyx, Inc.
Classification: Likely pathogenic for Autosomal recessive MADD-related disorders. Last evaluated: 2025-06-07. Review status: criteria provided, single submitter. Criteria: Variantyx Assertion Criteria 2022. Collection method: clinical testing. Allele origin: germline. Inheritance: Autosomal recessive inheritance. Affected: no.
Comment: This is a frameshift variant in the MADD gene (OMIM: 603584). Pathogenic variants in this gene have been associated with autosomal recessive MADD-related disorders. This variant introduces a premature termination codon in exon 3 out of 36 and is expected to result in loss of function, which is a known disease mechanism for MADD in these disorders (PMID: 28940097) (PVS1). This variant has a 0.0001% maximum allele frequency in non-founder control populations (PM2). Based on the current evidence, this variant is classified as likely pathogenic for autosomal recessive MADD-related disorders.

Literature cited by the submitters: PubMed 28940097.